The following is an entry in ClinVar:

ClinVar aggregate classification (germline): Pathogenic (1 of 4 stars; one submission).

Submission:

Labcorp Genetics (formerly Invitae), Labcorp
Classification: Pathogenic. Last evaluated: 2024-03-10. Review status: criteria provided, single submitter. Criteria: Invitae Variant Classification Sherloc (09022015). Collection method: clinical testing. Allele origin: germline.
Comment: This sequence change creates a premature translational stop signal (p.Pro748Glnfs*62) in the ACAN gene. It is expected to result in an absent or disrupted protein product. Loss-of-function variants in ACAN are known to be pathogenic (PMID: 16080123, 24762113). This variant is not present in population databases (gnomAD no frequency). This variant has not been reported in the literature in individuals affected with ACAN-related conditions. For these reasons, this variant has been classified as Pathogenic.

Literature cited by the submitters: PubMed 16080123; PubMed 24762113.

NM_001369268.1(ACAN):c.2243del (p.Pro748fs)

Gene: ACAN (aggrecan; plus strand). Cytogenetic location: 15q26.1.
Variant type: Deletion.
Coding change: c.2243del on transcript NM_001369268.1 (MANE Select); coding-DNA position 2243, one base deleted (C; older notation c.2243delC).
Protein change: p.Pro748fs; shifts the reading frame from proline 748.
Molecular consequence: frameshift variant.
Genome position (GRCh38, 1-based): chr15:88,852,010, C deleted; the last of 4 consecutive C bases (chr15:88,852,007-88,852,010); deleting any one gives the same sequence. VCF-style (leftmost placement, unchanged base first): chr15-88852006-AC-A. GRCh37 (hg19) VCF-style: chr15-89395237-AC-A.
Other names: c.2243del, p.Pro748fs (NM_001411096.1, NM_001411097.1, NM_013227.4 and 1 more transcripts); short protein forms P748fs.
Identifiers: ClinVar variation 3689709 (VCV003689709.2).
Genomic context (GRCh38, chr15:88,852,006, plus strand): 5'-ACTGCCATCCTAGAGTTCACCACCGAGCCAGAAAACCAGACAGAATGGGAACCAGCCTAT[AC>A]CCCAGTGGGCACATCCCCGCTGCCAGGTTGGTATGGCTTGGGTTCTGGGGCACACCCTGA-3'